The following is an entry in ClinVar:

NM_002734.5(PRKAR1A):c.91C>T (p.Leu31Phe)

Gene: PRKAR1A (protein kinase cAMP-dependent type I regulatory subunit alpha; plus strand). Cytogenetic location: 17q24.2.
Variant type: single nucleotide variant.
Coding change: c.91C>T on transcript NM_002734.5 (MANE Select); coding-DNA position 91, C replaced by T.
Protein change: p.Leu31Phe; replaces leucine 31 with phenylalanine.
Molecular consequence: missense variant.
Genome position (GRCh38, 1-based): chr17:68,515,490, C>T. VCF-style: chr17-68515490-C-T. GRCh37 (hg19) VCF-style: chr17-66511631-C-T.
Other names: c.91C>T, p.Leu31Phe (NM_001276289.2, NM_001276290.1, NM_001278433.2 and 4 more transcripts); short protein forms L31F.
Identifiers: ClinVar variation 1417699 (VCV001417699.8), dbSNP rs2143151261, ClinGen allele CA400751948.

ClinVar aggregate classification (germline): Uncertain significance (1 of 4 stars; one submission).

Conditions:
Carney complex, type 1 (CNC1). Also called: CARNEY MYXOMA-ENDOCRINE COMPLEX; CARNEY COMPLEX, TYPE I. Identifiers: Orphanet 1359, MedGen C2607929, MONDO:0008057, OMIM 160980.

Allele frequency attached by ClinVar (database versions not stated): gnomAD exomes below 0.00001.
gnomAD v4.1: 6 of 1,613,508 alleles (0.00037%); highest among the groups gnomAD compares: Non-Finnish European, 0.00051%; no homozygotes.

Submission:

Labcorp Genetics (formerly Invitae), Labcorp
Classification: Uncertain significance for Carney complex, type 1. Last evaluated: 2021-04-07. Review status: criteria provided, single submitter. Criteria: Invitae Variant Classification Sherloc (09022015). Collection method: clinical testing. Allele origin: germline.
Comment: Algorithms developed to predict the effect of missense changes on protein structure and function are either unavailable or do not agree on the potential impact of this missense change (SIFT: "Tolerated"; PolyPhen-2: "Possibly Damaging"; Align-GVGD: "Class C0"). This sequence change replaces leucine with phenylalanine at codon 31 of the PRKAR1A protein (p.Leu31Phe). The leucine residue is moderately conserved and there is a small physicochemical difference between leucine and phenylalanine. This variant is not present in population databases (ExAC no frequency). This variant has not been reported in the literature in individuals with PRKAR1A-related conditions. In summary, the available evidence is currently insufficient to determine the role of this variant in disease. Therefore, it has been classified as a Variant of Uncertain Significance.